The following is an entry in ClinVar:

NM_002691.4(POLD1):c.2250+5G>C

Gene: POLD1 (DNA polymerase delta 1, catalytic subunit; plus strand). Cytogenetic location: 19q13.33.
Variant type: single nucleotide variant.
Coding change: c.2250+5G>C on transcript NM_002691.4 (MANE Select); 5 bases into the intron after coding-DNA position 2250, G replaced by C.
Molecular consequence: intron variant.
Genome position (GRCh38, 1-based): chr19:50,413,526, G>C. VCF-style: chr19-50413526-G-C. GRCh37 (hg19) VCF-style: chr19-50916783-G-C.
Other names: c.2250+5G>C (LRG_785t1, NM_001256849.1); c.2328+5G>C (LRG_785t2, NM_001308632.1).
Identifiers: ClinVar variation 246103 (VCV000246103.18), dbSNP rs772130395, ClinGen allele CA9596448.

ClinVar aggregate classification (germline): Conflicting classifications of pathogenicity. Review status: criteria provided, conflicting classifications (1 of 4 stars). 4 submissions from 4 submitters: Uncertain significance (3); Likely benign (1). Last evaluated 2026-01-19.

Conditions:
POLD1-related polyposis and colorectal cancer syndrome (CRCS10). Also called: COLORECTAL CANCER, SUSCEPTIBILITY TO, ON CHROMOSOME 19q; Colorectal cancer 10; Colorectal cancer, susceptibility to, 10. Identifiers: Orphanet 220460, MedGen C2675481, MONDO:0012953, OMIM 612591.
Hereditary cancer-predisposing syndrome. Also called: Hereditary Cancer Syndrome; Neoplastic Syndromes, Hereditary; Hereditary neoplastic syndrome; Tumor predisposition. Identifiers: Orphanet 140162, MedGen C0027672, MeSH D009386, MONDO:0015356.

Allele frequency attached by ClinVar (database versions not stated): TOPMed 0.00002; gnomAD exomes 0.00007 and 0.00001; ExAC 0.00001; gnomAD 0.00002.
gnomAD v4.1: 102 of 1,603,300 alleles (0.0064%); highest among the groups gnomAD compares: Non-Finnish European, 0.0085%; no homozygotes.

Submissions (4):

Labcorp Genetics (formerly Invitae), Labcorp
Classification: Likely benign for POLD1-related polyposis and colorectal cancer syndrome. Last evaluated: 2026-01-19. Review status: criteria provided, single submitter. Criteria: Invitae Variant Classification Sherloc (09022015). Collection method: clinical testing. Allele origin: germline.

Ambry Genetics
Classification: Uncertain significance for Hereditary cancer-predisposing syndrome. Last evaluated: 2024-12-20. Review status: criteria provided, single submitter. Criteria: Ambry Variant Classification Scheme 2023. Collection method: clinical testing. Allele origin: germline.
Comment: The c.2250+5G>C intronic variant results from a G to C substitution 5 nucleotides after coding exon 17 in the POLD1 gene. This nucleotide position is highly conserved in available vertebrate species. In silico splice site analysis predicts that this alteration may result in the creation or strengthening of a novel splice donor site. Based on the available evidence, the clinical significance of this variant remains unclear.

GeneDx
Classification: Uncertain significance. Last evaluated: 2024-02-16. Review status: criteria provided, single submitter. Criteria: GeneDx Variant Classification Process June 2021. Collection method: clinical testing. Allele origin: germline. Affected: yes.
Comment: Not observed at significant frequency in large population cohorts (gnomAD); Has not been previously published as pathogenic or benign to our knowledge; In silico analysis suggests this variant may impact gene splicing. In the absence of RNA/functional studies, the actual effect of this sequence change is unknown.; This variant is associated with the following publications: (PMID: 17576681, 9536098)

Women's Health and Genetics/Laboratory Corporation of America, LabCorp
Classification: Uncertain significance. Last evaluated: 2021-11-20. Review status: criteria provided, single submitter. Criteria: LabCorp Variant Classification Summary - May 2015. Collection method: clinical testing. Allele origin: germline.